The following is an entry in ClinVar:

ClinVar aggregate classification (germline): Uncertain significance. Review status: criteria provided, multiple submitters, no conflicts (2 of 4 stars). 3 submissions from 3 submitters: Uncertain significance (2). 1 of the submissions does not count toward it. Last evaluated 2023-05-22.

Conditions:
Inborn genetic diseases. Identifiers: MedGen C0950123, MeSH D030342.
DMXL2-related disorder. Also called: DMXL2-related condition.

Allele frequency attached by ClinVar (database versions not stated): ExAC 0.00005; gnomAD 0.00005; TOPMed 0.00008.
gnomAD v4.1: 65 of 1,599,436 alleles (0.0041%); highest among the groups gnomAD compares: Admixed American, 0.028%; no homozygotes.

Submissions (3):

Ambry Genetics
Classification: Uncertain significance for Inborn genetic diseases. Last evaluated: 2023-05-22. Review status: criteria provided, single submitter. Criteria: Ambry Variant Classification Scheme 2023. Collection method: clinical testing. Allele origin: germline.

Labcorp Genetics (formerly Invitae), Labcorp
Classification: Uncertain significance. Last evaluated: 2022-11-01. Review status: criteria provided, single submitter. Criteria: Invitae Variant Classification Sherloc (09022015). Collection method: clinical testing. Allele origin: germline.
Comment: This sequence change replaces leucine, which is neutral and non-polar, with phenylalanine, which is neutral and non-polar, at codon 2224 of the DMXL2 protein (p.Leu2224Phe). This variant is present in population databases (rs758194542, gnomAD 0.04%). This variant has not been reported in the literature in individuals affected with DMXL2-related conditions. Algorithms developed to predict the effect of missense changes on protein structure and function are either unavailable or do not agree on the potential impact of this missense change (SIFT: "Tolerated"; PolyPhen-2: "Probably Damaging"; Align-GVGD: "Class C0"). In summary, the available evidence is currently insufficient to determine the role of this variant in disease. Therefore, it has been classified as a Variant of Uncertain Significance.

PreventionGenetics, part of Exact Sciences
Classification: Uncertain significance for DMXL2-related condition. Last evaluated: 2024-05-08. Review status: no assertion criteria provided. Collection method: clinical testing. Allele origin: germline. Not counted in ClinVar's aggregate classification.
Comment: The DMXL2 c.6672G>C variant is predicted to result in the amino acid substitution p.Leu2224Phe. To our knowledge, this variant has not been reported in the literature. This variant is reported in 0.034% of alleles in individuals of Latino descent in gnomAD. At this time, the clinical significance of this variant is uncertain due to the absence of conclusive functional and genetic evidence.

NM_001378457.1(DMXL2):c.6672G>C (p.Leu2224Phe)

Gene: DMXL2 (Dmx like 2; minus strand). Cytogenetic location: 15q21.2.
Variant type: single nucleotide variant.
Coding change: c.6672G>C on transcript NM_001378457.1 (MANE Select); coding-DNA position 6672, G replaced by C.
Protein change: p.Leu2224Phe; replaces leucine 2224 with phenylalanine.
Molecular consequence: missense variant. On other transcripts: non-coding transcript variant (2).
Genome position (GRCh38, 1-based): chr15:51,480,032, C>G on the plus strand (G>C on the coding strand, the complement: DMXL2 is on the minus strand). VCF-style: chr15-51480032-C-G. GRCh37 (hg19) VCF-style: chr15-51772229-C-G.
Other names: c.6672G>C, p.Leu2224Phe (NM_001174116.3, NM_001378458.1, NM_001378459.1 and 4 more transcripts); c.4764G>C, p.Leu1588Phe (NM_001174117.3); c.4653G>C, p.Leu1551Phe (NM_001378460.1); c.6432G>C, p.Leu2144Phe (NM_001378464.1); c.6672G>C (NM_001174116.1); short protein forms L2144F, L1588F, L2224F, L1551F.
Identifiers: ClinVar variation 2081629 (VCV002081629.5), dbSNP rs758194542, ClinGen allele CA7561580.